The following is an entry in ClinVar:

NM_182972.3(IRF2BP2):c.409_419del (p.Arg137fs)

Genes: IRF2BP2 (interferon regulatory factor 2 binding protein 2; minus strand), LOC129932812 (ATAC-STARR-seq lymphoblastoid silent region 1977; plus strand). Cytogenetic location: 1q42.3.
Variant type: Deletion.
Coding change: c.409_419del on transcript NM_182972.3 (MANE Select); coding-DNA positions 409 to 419, 11 bases deleted (CGCCCGGCAGC).
Protein change: p.Arg137fs; shifts the reading frame from arginine 137.
Molecular consequence: frameshift variant.
Genome position (GRCh38, 1-based): chr1:234,609,076-234,609,086, GCTGCCGGGCG deleted on the plus strand (CGCCCGGCAGC on the coding strand, the reverse complement: IRF2BP2 is on the minus strand); deleting any 11 consecutive bases within chr1:234,609,076-234,609,091 gives the same sequence; the c. name uses the placement nearest the transcript's 3' end. VCF-style (leftmost placement, unchanged base first): chr1-234609075-CGCTGCCGGGCG-C. GRCh37 (hg19) VCF-style: chr1-234744821-CGCTGCCGGGCG-C.
Other names: c.409_419del, p.Arg137fs (NM_001077397.1); short protein forms R137fs.
Identifiers: ClinVar variation 1999534 (VCV001999534.18), dbSNP rs2528522043, ClinGen allele CA2580062346.

ClinVar aggregate classification (germline): Uncertain significance. Review status: criteria provided, multiple submitters, no conflicts (2 of 4 stars). 2 submissions from 2 submitters: Uncertain significance (2). Last evaluated 2024-09-01.

Submissions (2):

CeGaT Center for Human Genetics Tuebingen
Classification: Uncertain significance. Last evaluated: 2024-09-01. Review status: criteria provided, single submitter. Criteria: CeGaT Center For Human Genetics Tuebingen Variant Classification Criteria Version 2. Collection method: clinical testing. Allele origin: germline. Affected: yes. Observed: 1 variant allele.
Comment: IRF2BP2: PM2

Labcorp Genetics (formerly Invitae), Labcorp
Classification: Uncertain significance. Last evaluated: 2022-06-09. Review status: criteria provided, single submitter. Criteria: Invitae Variant Classification Sherloc (09022015). Collection method: clinical testing. Allele origin: germline.
Comment: This sequence change creates a premature translational stop signal (p.Arg137Glufs*113) in the IRF2BP2 gene. It is expected to result in an absent or disrupted protein product. However, the current clinical and genetic evidence is not sufficient to establish whether loss-of-function variants in IRF2BP2 cause disease. This variant is not present in population databases (gnomAD no frequency). This variant has not been reported in the literature in individuals affected with IRF2BP2-related conditions. In summary, the available evidence is currently insufficient to determine the role of this variant in disease. Therefore, it has been classified as a Variant of Uncertain Significance.